The following is an entry in ClinVar:

NM_015488.5(PNKD):c.665G>A (p.Arg222Gln)

Genes: CATIP-AS2 (CATIP antisense RNA 2; minus strand), PNKD (PNKD metallo-beta-lactamase domain containing; plus strand). Cytogenetic location: 2q35.
Variant type: single nucleotide variant.
Coding change: c.665G>A on transcript NM_015488.5 (MANE Select); coding-DNA position 665, G replaced by A.
Protein change: p.Arg222Gln; replaces arginine 222 with glutamine.
Molecular consequence: missense variant.
Genome position (GRCh38, 1-based): chr2:218,342,028, G>A. VCF-style: chr2-218342028-G-A. GRCh37 (hg19) VCF-style: chr2-219206751-G-A.
Other names: c.593G>A, p.Arg198Gln (NM_022572.5); short protein forms R222Q, R198Q.
Identifiers: ClinVar variation 568390 (VCV000568390.9), dbSNP rs777574834, ClinGen allele CA2104059.

ClinVar aggregate classification (germline): Uncertain significance (1 of 4 stars; one submission).

Conditions:
Paroxysmal nonkinesigenic dyskinesia. Also called: Paroxysmal non-kinesigenic dyskinesia. Identifiers: Orphanet 98810, MedGen C1869117, MONDO:0700088.

Allele frequency attached by ClinVar (database versions not stated): ExAC 0.00002; gnomAD exomes 0.00004; gnomAD 0.00007 and 0.00008; TOPMed 0.00008.
gnomAD v4.1: 65 of 1,613,298 alleles (0.004%); highest among the groups gnomAD compares: Middle Eastern, 0.016%; no homozygotes.

Submission:

Labcorp Genetics (formerly Invitae), Labcorp
Classification: Uncertain significance for Paroxysmal nonkinesigenic dyskinesia. Last evaluated: 2026-01-26. Review status: criteria provided, single submitter. Criteria: Invitae Variant Classification Sherloc (09022015). Collection method: clinical testing. Allele origin: germline.
Comment: This sequence change replaces arginine, which is basic and polar, with glutamine, which is neutral and polar, at codon 222 of the PNKD protein (p.Arg222Gln). This variant is present in population databases (rs777574834, gnomAD 0.02%). This variant has not been reported in the literature in individuals affected with PNKD-related conditions. ClinVar contains an entry for this variant (Variation ID: 568390). Invitae Evidence Modeling of protein sequence and biophysical properties (such as structural, functional, and spatial information, amino acid conservation, physicochemical variation, residue mobility, and thermodynamic stability) indicates that this missense variant is not expected to disrupt PNKD protein function with a negative predictive value of 80%. In summary, the available evidence is currently insufficient to determine the role of this variant in disease. Therefore, it has been classified as a Variant of Uncertain Significance.